The following is an entry in ClinVar:

ClinVar aggregate classification (germline): Uncertain significance (1 of 4 stars; one submission).

gnomAD v4.1: 2 of 1,613,510 alleles (0.00012%); highest among the groups gnomAD compares: Non-Finnish European, 0.00017%; no homozygotes.

Submission:

Labcorp Genetics (formerly Invitae), Labcorp
Classification: Uncertain significance. Last evaluated: 2025-01-07. Review status: criteria provided, single submitter. Criteria: Invitae Variant Classification Sherloc (09022015). Collection method: clinical testing. Allele origin: germline.
Comment: This sequence change replaces aspartic acid, which is acidic and polar, with asparagine, which is neutral and polar, at codon 286 of the HOMER2 protein (p.Asp286Asn). This variant is not present in population databases (gnomAD no frequency). This variant has not been reported in the literature in individuals affected with HOMER2-related conditions. An algorithm developed to predict the effect of missense changes on protein structure and function (PolyPhen-2) suggests that this variant is likely to be tolerated. In summary, the available evidence is currently insufficient to determine the role of this variant in disease. Therefore, it has been classified as a Variant of Uncertain Significance.

NM_004839.4(HOMER2):c.856G>A (p.Asp286Asn)

Gene: HOMER2 (homer scaffold protein 2; minus strand). Cytogenetic location: 15q25.2.
Variant type: single nucleotide variant.
Coding change: c.856G>A on transcript NM_004839.4 (MANE Select); coding-DNA position 856, G replaced by A.
Protein change: p.Asp286Asn; replaces aspartic acid 286 with asparagine.
Molecular consequence: missense variant.
Genome position (GRCh38, 1-based): chr15:82,849,891, C>T on the plus strand (G>A on the coding strand, the complement: HOMER2 is on the minus strand). VCF-style: chr15-82849891-C-T. GRCh37 (hg19) VCF-style: chr15-83518643-C-T.
Other names: c.889G>A, p.Asp297Asn (NM_199330.3); short protein forms D297N, D286N.
Identifiers: ClinVar variation 3701314 (VCV003701314.2).
Genomic context (GRCh38, chr15:82,849,891, plus strand): 5'-ATTTGCTCTCCTCAATGTCTGTCTTTAAGGAACGCACTTTGTCTTCCAGGTTTTGATTGT[C>T]TCTCTCTGCCGCCTGGCCAAGCAAAAGGGAGAAGGGTCTAGAAAACTGAGTGACGAGAGT-3'
Protein context (NP_004830.2, residues 276-296): VSEKLEAAER[Asp286Asn]NQNLEDKVRS